The following is an entry in ClinVar:

ClinVar aggregate classification (germline): Uncertain significance. Review status: criteria provided, multiple submitters, no conflicts (2 of 4 stars). 2 submissions from 2 submitters: Uncertain significance (2). Last evaluated 2025-02-12.

Conditions:
Hereditary cancer-predisposing syndrome. Also called: Hereditary neoplastic syndrome; Neoplastic Syndromes, Hereditary; Tumor predisposition; Hereditary Cancer Syndrome. Identifiers: Orphanet 140162, MedGen C0027672, MeSH D009386, MONDO:0015356.

Submissions (2):

Labcorp Genetics (formerly Invitae), Labcorp
Classification: Uncertain significance. Last evaluated: 2025-02-12. Review status: criteria provided, single submitter. Criteria: Invitae Variant Classification Sherloc (09022015). Collection method: clinical testing. Allele origin: germline.
Comment: This sequence change replaces histidine, which is basic and polar, with glutamine, which is neutral and polar, at codon 554 of the CTNNA1 protein (p.His554Gln). This variant is not present in population databases (gnomAD no frequency). This variant has not been reported in the literature in individuals affected with CTNNA1-related conditions. ClinVar contains an entry for this variant (Variation ID: 1004255). Invitae Evidence Modeling of protein sequence and biophysical properties (such as structural, functional, and spatial information, amino acid conservation, physicochemical variation, residue mobility, and thermodynamic stability) indicates that this missense variant is not expected to disrupt CTNNA1 protein function with a negative predictive value of 80%. In summary, the available evidence is currently insufficient to determine the role of this variant in disease. Therefore, it has been classified as a Variant of Uncertain Significance.

Ambry Genetics
Classification: Uncertain significance for Hereditary cancer-predisposing syndrome. Last evaluated: 2022-12-21. Review status: criteria provided, single submitter. Criteria: Ambry Variant Classification Scheme 2023. Collection method: clinical testing. Allele origin: germline.
Comment: The p.H554Q variant (also known as c.1662C>A), located in coding exon 11 of the CTNNA1 gene, results from a C to A substitution at nucleotide position 1662. The histidine at codon 554 is replaced by glutamine, an amino acid with highly similar properties. This amino acid position is conserved. In addition, the in silico prediction for this alteration is inconclusive. Since supporting evidence is limited at this time, the clinical significance of this alteration remains unclear.

NM_001903.5(CTNNA1):c.1662C>A (p.His554Gln)

Gene: CTNNA1 (catenin alpha 1; plus strand). Cytogenetic location: 5q31.2.
Variant type: single nucleotide variant.
Coding change: c.1662C>A on transcript NM_001903.5 (MANE Select); coding-DNA position 1662, C replaced by A.
Protein change: p.His554Gln; replaces histidine 554 with glutamine.
Molecular consequence: missense variant.
Genome position (GRCh38, 1-based): chr5:138,924,625, C>A. VCF-style: chr5-138924625-C-A. GRCh37 (hg19) VCF-style: chr5-138260314-C-A.
Other names: c.1662C>A, p.His554Gln (NM_001290307.3, NM_001323982.2, NM_001323983.1 and 2 more transcripts); c.1353C>A, p.His451Gln (NM_001290309.3); c.1293C>A, p.His431Gln (NM_001290310.3); c.552C>A, p.His184Gln (NM_001290312.1, NM_001323987.1, NM_001323988.1 and 17 more transcripts); c.1569C>A, p.His523Gln (NM_001323986.2); c.213C>A, p.His71Gln (NM_001324006.1, NM_001324007.1, NM_001324008.1 and 2 more transcripts); c.459C>A, p.His153Gln (NM_001324011.1); c.309C>A, p.His103Gln (NM_001324012.1, NM_001324013.1); and 1 more; short protein forms H103Q, H153Q, H184Q, H431Q, H451Q, H523Q, H554Q, H71Q.
Identifiers: ClinVar variation 1004255 (VCV001004255.10), dbSNP rs146151753, ClinGen allele CA361131919.